The following is an entry in ClinVar:

ClinVar aggregate classification (germline): Uncertain significance. Review status: criteria provided, multiple submitters, no conflicts (2 of 4 stars). 2 submissions from 2 submitters: Uncertain significance (2). Last evaluated 2025-01-19.

Conditions:
Hereditary cancer-predisposing syndrome. Also called: Hereditary neoplastic syndrome; Hereditary Cancer Syndrome; Neoplastic Syndromes, Hereditary; Tumor predisposition. Identifiers: Orphanet 140162, MedGen C0027672, MeSH D009386, MONDO:0015356.
DICER1-related tumor predisposition. Also called: DICER1 syndrome; DICER1-related pleuropulmonary blastoma cancer predisposition syndrome. Identifiers: Orphanet 284343, MedGen C3839822, MONDO:0100216.

Submissions (2):

Labcorp Genetics (formerly Invitae), Labcorp
Classification: Uncertain significance for DICER1-related tumor predisposition. Last evaluated: 2025-01-19. Review status: criteria provided, single submitter. Criteria: Invitae Variant Classification Sherloc (09022015). Collection method: clinical testing. Allele origin: germline.
Comment: This sequence change replaces glycine, which is neutral and non-polar, with glutamic acid, which is acidic and polar, at codon 485 of the DICER1 protein (p.Gly485Glu). This variant is not present in population databases (gnomAD no frequency). This variant has not been reported in the literature in individuals affected with DICER1-related conditions. ClinVar contains an entry for this variant (Variation ID: 2738880). Invitae Evidence Modeling of protein sequence and biophysical properties (such as structural, functional, and spatial information, amino acid conservation, physicochemical variation, residue mobility, and thermodynamic stability) indicates that this missense variant is not expected to disrupt DICER1 protein function with a negative predictive value of 95%. In summary, the available evidence is currently insufficient to determine the role of this variant in disease. Therefore, it has been classified as a Variant of Uncertain Significance.

Ambry Genetics
Classification: Uncertain significance for Hereditary cancer-predisposing syndrome. Last evaluated: 2023-11-29. Review status: criteria provided, single submitter. Criteria: Ambry Variant Classification Scheme 2023. Collection method: clinical testing. Allele origin: germline.
Comment: The p.G485E variant (also known as c.1454G>A), located in coding exon 8 of the DICER1 gene, results from a G to A substitution at nucleotide position 1454. The glycine at codon 485 is replaced by glutamic acid, an amino acid with similar properties. This amino acid position is highly conserved in available vertebrate species. In addition, this alteration is predicted to be deleterious by in silico analysis. Since supporting evidence is limited at this time, the clinical significance of this alteration remains unclear.

NM_177438.3(DICER1):c.1454G>A (p.Gly485Glu)

Gene: DICER1 (dicer 1, ribonuclease III; minus strand). Cytogenetic location: 14q32.13.
Variant type: single nucleotide variant.
Coding change: c.1454G>A on transcript NM_177438.3 (MANE Select); coding-DNA position 1454, G replaced by A.
Protein change: p.Gly485Glu; replaces glycine 485 with glutamic acid.
Molecular consequence: missense variant. On other transcripts: non-coding transcript variant (6), 5 prime UTR variant (1).
Genome position (GRCh38, 1-based): chr14:95,117,677, C>T on the plus strand (G>A on the coding strand, the complement: DICER1 is on the minus strand). VCF-style: chr14-95117677-C-T. GRCh37 (hg19) VCF-style: chr14-95584014-C-T.
Other names: c.1454G>A, p.Gly485Glu (NM_001195573.1, NM_001395694.1, NM_001395695.1 and 13 more transcripts); c.1049G>A, p.Gly350Glu (NM_001395696.1, NM_001395698.1, NM_001395687.1 and 3 more transcripts); c.-115G>A (NM_001395697.1); c.1172G>A, p.Gly391Glu (NM_001395686.1); c.887G>A, p.Gly296Glu (NM_001395691.1); short protein forms G350E, G485E, G296E, G391E.
Identifiers: ClinVar variation 2738880 (VCV002738880.4), dbSNP rs2140137898, ClinGen allele CA390885535.